The following is an entry in ClinVar:

ClinVar aggregate classification (germline): Conflicting classifications of pathogenicity. Review status: criteria provided, conflicting classifications (1 of 4 stars). 4 submissions from 3 submitters: Uncertain significance (3); Likely benign (1). Last evaluated 2024-08-06.

Conditions:
Autosomal recessive nonsyndromic hearing loss 21. Identifiers: Orphanet 90636, MedGen C1863655, MONDO:0011351, OMIM 603629.
Inborn genetic diseases. Identifiers: MedGen C0950123, MeSH D030342.
Autosomal dominant nonsyndromic hearing loss 12. Also called: DEAFNESS, AUTOSOMAL DOMINANT 8. Identifiers: Orphanet 90635, MedGen C1832187, MONDO:0011102, OMIM 601543.

Allele frequency attached by ClinVar (database versions not stated): gnomAD exomes below 0.00001 and 0.00002; TOPMed 0.00001; ExAC 0.00002.

Submissions (4):

Ambry Genetics
Classification: Likely benign for Inborn genetic diseases. Last evaluated: 2024-08-06. Review status: criteria provided, single submitter. Criteria: Ambry Variant Classification Scheme 2023. Collection method: clinical testing. Allele origin: germline.

Labcorp Genetics (formerly Invitae), Labcorp
Classification: Uncertain significance. Last evaluated: 2023-08-25. Review status: criteria provided, single submitter. Criteria: Invitae Variant Classification Sherloc (09022015). Collection method: clinical testing. Allele origin: germline.
Comment: In summary, the available evidence is currently insufficient to determine the role of this variant in disease. Therefore, it has been classified as a Variant of Uncertain Significance. Advanced modeling of protein sequence and biophysical properties (such as structural, functional, and spatial information, amino acid conservation, physicochemical variation, residue mobility, and thermodynamic stability) performed at Invitae indicates that this missense variant is not expected to disrupt TECTA protein function. ClinVar contains an entry for this variant (Variation ID: 303004). This variant has not been reported in the literature in individuals affected with TECTA-related conditions. This variant is present in population databases (rs755227541, gnomAD 0.01%). This sequence change replaces glycine, which is neutral and non-polar, with serine, which is neutral and polar, at codon 691 of the TECTA protein (p.Gly691Ser).

Illumina Laboratory Services, Illumina
Classification: Uncertain significance for Autosomal recessive nonsyndromic hearing loss 21. Last evaluated: 2018-01-12. Review status: criteria provided, single submitter. Criteria: ICSL Variant Classification Criteria 13 December 2019. Collection method: clinical testing. Allele origin: germline.

Illumina Laboratory Services, Illumina
Classification: Uncertain significance for Autosomal dominant nonsyndromic hearing loss 12. Last evaluated: 2018-01-12. Review status: criteria provided, single submitter. Criteria: ICSL Variant Classification Criteria 13 December 2019. Collection method: clinical testing. Allele origin: germline.

NM_005422.4(TECTA):c.2071G>A (p.Gly691Ser)

Genes: TBCEL-TECTA (TBCEL-TECTA readthrough; plus strand), TECTA (tectorin alpha; plus strand). Cytogenetic location: 11q23.3.
Variant type: single nucleotide variant.
Coding change: c.2071G>A on transcript NM_005422.4 (MANE Select); coding-DNA position 2071, G replaced by A.
Protein change: p.Gly691Ser; replaces glycine 691 with serine.
Molecular consequence: missense variant.
Genome position (GRCh38, 1-based): chr11:121,128,048, G>A. VCF-style: chr11-121128048-G-A. GRCh37 (hg19) VCF-style: chr11-120998757-G-A.
Other names: c.3028G>A, p.Gly1010Ser (NM_001378761.1); short protein forms G691S, G1010S.
Identifiers: ClinVar variation 303004 (VCV000303004.9), dbSNP rs755227541, ClinGen allele CA6326906.
Genomic context (GRCh38, chr11:121,128,048, plus strand): 5'-TGCACTGTGCAATGCCTGTGCGAGGAGGGCGGGGACGTCTACTGCTTCAACAAGACCTGC[G>A]GCAGCGGGGAGGTGTGCGCCGTGGAGGACGGCTACCAGGGCTGCTTCCCCAAGCGGGAGA-3'
Protein context (NP_005413.2, residues 681-701): GDVYCFNKTC[Gly691Ser]SGEVCAVEDG